The following is an entry in ClinVar:

ClinVar aggregate classification (germline): Pathogenic/Likely pathogenic. Review status: criteria provided, multiple submitters, no conflicts (2 of 4 stars). 2 submissions from 2 submitters: Pathogenic (1); Likely pathogenic (1). Last evaluated 2023-05-15.

Conditions:
Ornithine aminotransferase deficiency (GACR). Also called: OKT DEFICIENCY; OAT DEFICIENCY; Ornithine ketoacid aminotransferase deficiency; Gyrate atrophy; Gyrate atrophy of choroid and retina; Girate atrophy of the retina. Identifiers: Orphanet 414, MedGen C0018425, MONDO:0009796, OMIM 258870.

Submissions (2):

Labcorp Genetics (formerly Invitae), Labcorp
Classification: Pathogenic for Ornithine aminotransferase deficiency. Last evaluated: 2023-05-15. Review status: criteria provided, single submitter. Criteria: Invitae Variant Classification Sherloc (09022015). Collection method: clinical testing. Allele origin: germline.
Comment: For these reasons, this variant has been classified as Pathogenic. ClinVar contains an entry for this variant (Variation ID: 2047188). This variant has not been reported in the literature in individuals affected with OAT-related conditions. This variant is not present in population databases (gnomAD no frequency). This sequence change creates a premature translational stop signal (p.Ala61Glufs*17) in the OAT gene. It is expected to result in an absent or disrupted protein product. Loss-of-function variants in OAT are known to be pathogenic (PMID: 1737786, 23076989).

Baylor Genetics
Classification: Likely pathogenic for Ornithine aminotransferase deficiency. Last evaluated: 2022-02-06. Review status: criteria provided, single submitter. Criteria: ACMG Guidelines, 2015. Collection method: clinical testing. Allele origin: unknown.

Literature cited by the submitters: PubMed 1737786 (cited by Labcorp Genetics (formerly Invitae), Labcorp); PubMed 23076989 (cited by Labcorp Genetics (formerly Invitae), Labcorp).

NM_000274.4(OAT):c.182_189del (p.Ala61fs)

Gene: OAT (ornithine aminotransferase; minus strand). Cytogenetic location: 10q26.13.
Variant type: Deletion.
Coding change: c.182_189del on transcript NM_000274.4 (MANE Select); coding-DNA positions 182 to 189, 8 bases deleted (CCCTGGAG; older notation c.182_189delCCCTGGAG).
Protein change: p.Ala61fs; shifts the reading frame from alanine 61.
Molecular consequence: frameshift variant. On other transcripts: intron variant (2).
Genome position (GRCh38, 1-based): chr10:124,411,983-124,411,990, CTCCAGGG deleted on the plus strand (CCCTGGAG on the coding strand, the reverse complement: OAT is on the minus strand); deleting any 8 consecutive bases within chr10:124,411,983-124,411,992 gives the same sequence; the c. name uses the placement nearest the transcript's 3' end. VCF-style (leftmost placement, unchanged base first): chr10-124411982-TCTCCAGGG-T. GRCh37 (hg19) VCF-style: chr10-126100551-TCTCCAGGG-T.
Other names: c.182_189del, p.Ala61fs (NM_001322965.2, NM_001322966.2, NM_001322967.2 and 4 more transcripts); c.-215-3025_-215-3018del (NM_001171814.2); c.-515-3025_-515-3018del (NM_001322974.2); short protein forms A61fs.
Identifiers: ClinVar variation 2047188 (VCV002047188.5), dbSNP rs2494523429, ClinGen allele CA2580082442.